The following is an entry in ClinVar:

ClinVar aggregate classification (germline): Conflicting classifications of pathogenicity. Review status: criteria provided, conflicting classifications (1 of 4 stars). 8 submissions from 8 submitters: Uncertain significance (6); Likely benign (2). Last evaluated 2025-09-09.

Conditions:
Breast-ovarian cancer, familial, susceptibility to, 5 (BROVCA5). Identifiers: MedGen C5830615, MONDO:0957530, OMIM 620442.
Hereditary cancer-predisposing syndrome. Also called: Neoplastic Syndromes, Hereditary; Hereditary neoplastic syndrome; Hereditary Cancer Syndrome; Tumor predisposition. Identifiers: Orphanet 140162, MedGen C0027672, MeSH D009386, MONDO:0015356.
PALB2-related cancer predisposition. Identifiers: MedGen CN377761, MONDO:0700272.
Familial cancer of breast. Also called: Hereditary breast cancer; BREAST CANCER, FAMILIAL; hereditary breast carcinoma. Identifiers: Orphanet 227535, MedGen C0346153, MONDO:0016419, OMIM 114480. Disease mechanism: loss of function.

Allele frequency attached by ClinVar (database versions not stated): gnomAD exomes below 0.00001.
gnomAD v4.1: 5 of 1,612,766 alleles (0.00031%); highest among the groups gnomAD compares: Non-Finnish European, 0.00042%; no homozygotes.

Submissions (8):

Labcorp Genetics (formerly Invitae), Labcorp
Classification: Uncertain significance for Familial cancer of breast. Last evaluated: 2025-09-09. Review status: criteria provided, single submitter. Criteria: Invitae Variant Classification Sherloc (09022015). Collection method: clinical testing. Allele origin: germline.
Comment: This sequence change replaces serine, which is neutral and polar, with asparagine, which is neutral and polar, at codon 133 of the PALB2 protein (p.Ser133Asn). This variant is not present in population databases (gnomAD no frequency). This variant has not been reported in the literature in individuals affected with PALB2-related conditions. ClinVar contains an entry for this variant (Variation ID: 246217). An algorithm developed to predict the effect of missense changes on protein structure and function outputs the following: PolyPhen-2: "Benign". The asparagine amino acid residue is found in multiple mammalian species, which suggests that this missense change does not adversely affect protein function. In summary, the available evidence is currently insufficient to determine the role of this variant in disease. Therefore, it has been classified as a Variant of Uncertain Significance.

Dasa
Classification: Uncertain significance for Breast-ovarian cancer, familial, susceptibility to, 5. Last evaluated: 2025-08-21. Review status: criteria provided, single submitter. Criteria: DASA Assertion Criteria. Collection method: clinical testing. Allele origin: germline.
Comment: NM_024675.4(PALB2):c.398G>A (p.Ser133Asn) is a missense variant that results in the substitution of serine with asparagine. This variant is rare in population databases. The currently available literature and clinical evidence are not sufficient to establish a definitive association between this variant and the reported condition. Therefore, this variant is classified as a variant of uncertain significance.

Hema, HEMA – Genetic and Molecular Diagnostic Laboratory
Classification: Uncertain significance for PALB2-related cancer predisposition. Last evaluated: 2025-07-30. Review status: criteria provided, single submitter. Criteria: HEMA Variant Classification Assertion Criteria. Collection method: clinical testing. Allele origin: germline.
Comment: It is a transition from guanine to adenine, resulting in the substitution of serine 133 of the PALB2 protein with asparagine. BP1: Missense variant in a gene in which pathogenic variants are primarily truncations.

Quest Diagnostics Nichols Institute San Juan Capistrano
Classification: Uncertain significance. Last evaluated: 2025-03-04. Review status: criteria provided, single submitter. Criteria: Quest Diagnostics criteria. Collection method: clinical testing. Allele origin: unknown.
Comment: The PALB2 c.398G>A (p.Ser133Asn) variant has been reported in the published literature in individuals with breast cancer (PMIDs: 38790183 (2024), 33471991 (2021), see also LOVD). This variant has not been reported in large, multi-ethnic general populations (Genome Aggregation Database). Analysis of this variant using bioinformatics tools for the prediction of the effect of amino acid changes on protein structure and function yielded predictions that this variant is benign. Based on the available information, we are unable to determine the clinical significance of this variant.

GeneDx
Classification: Uncertain significance. Last evaluated: 2023-08-29. Review status: criteria provided, single submitter. Criteria: GeneDx Variant Classification Process June 2021. Collection method: clinical testing. Allele origin: germline. Affected: yes.
Comment: Not observed at significant frequency in large population cohorts (gnomAD); In silico analysis supports that this missense variant does not alter protein structure/function; Has not been previously published as pathogenic or benign to our knowledge; This variant is associated with the following publications: (PMID: 20871615, 19369211)

Women's Health and Genetics/Laboratory Corporation of America, LabCorp
Classification: Uncertain significance. Last evaluated: 2018-07-10. Review status: criteria provided, single submitter. Criteria: LabCorp Variant Classification Summary - May 2015. Collection method: clinical testing. Allele origin: germline.
Comment: Variant summary: PALB2 c.398G>A (p.Ser133Asn) results in a conservative amino acid change in the encoded protein sequence. Five of five in-silico tools predict a benign effect of the variant on protein function. The variant was absent in 245640 control chromosomes (gnomAD). The available data on variant occurrences in the general population are insufficient to allow any conclusion about variant significance. To our knowledge, no occurrence of c.398G>A in individuals affected with Hereditary Breast and Ovarian Cancer and no experimental evidence demonstrating its impact on protein function have been reported. Two ClinVar submissions from clinical diagnostic laboratories (evaluation after 2014) cite the variant with conflicting classifications, one as uncertain significance and one as likely benign. Based on the evidence outlined above, the variant was classified as uncertain significance.

Ambry Genetics
Classification: Likely benign for Hereditary cancer-predisposing syndrome. Last evaluated: 2016-05-13. Review status: criteria provided, single submitter. Criteria: Ambry Variant Classification Scheme 2023. Collection method: clinical testing. Allele origin: germline.

Color Diagnostics, LLC DBA Color Health
Classification: Likely benign for Hereditary cancer-predisposing syndrome. Last evaluated: 2015-12-02. Review status: criteria provided, single submitter. Criteria: ACMG Guidelines, 2015. Collection method: clinical testing. Allele origin: germline.

Literature cited by the submitters: PubMed 33471991 (cited by Quest Diagnostics Nichols Institute San Juan Capistrano); PubMed 38790183 (cited by Quest Diagnostics Nichols Institute San Juan Capistrano); PubMed 39427061 (cited by Quest Diagnostics Nichols Institute San Juan Capistrano).

NM_024675.4(PALB2):c.398G>A (p.Ser133Asn)

Gene: PALB2 (partner and localizer of BRCA2; minus strand). Cytogenetic location: 16p12.2.
Variant type: single nucleotide variant.
Coding change: c.398G>A on transcript NM_024675.4 (MANE Select); coding-DNA position 398, G replaced by A.
Protein change: p.Ser133Asn; replaces serine 133 with asparagine.
Molecular consequence: missense variant.
Genome position (GRCh38, 1-based): chr16:23,636,148, C>T on the plus strand (G>A on the coding strand, the complement: PALB2 is on the minus strand). VCF-style: chr16-23636148-C-T. GRCh37 (hg19) VCF-style: chr16-23647469-C-T.
Other names: short protein forms S133N.
Identifiers: ClinVar variation 246217 (VCV000246217.27), dbSNP rs864622411, ClinGen allele CA10584524.